The following is an entry in ClinVar:

ClinVar aggregate classification (germline): Uncertain significance. Review status: criteria provided, multiple submitters, no conflicts (2 of 4 stars). 3 submissions from 3 submitters: Uncertain significance (3). Last evaluated 2024-09-23.

Conditions:
Inborn genetic diseases. Identifiers: MedGen C0950123, MeSH D030342.

Allele frequency attached by ClinVar (database versions not stated): 1000 Genomes Project 30x 0.00016; 1000 Genomes Project 0.00020; ExAC 0.00021.
gnomAD v4.1: 88 of 1,613,932 alleles (0.0055%); highest among the groups gnomAD compares: East Asian, 0.074%; no homozygotes.

Submissions (3):

Labcorp Genetics (formerly Invitae), Labcorp
Classification: Uncertain significance. Last evaluated: 2024-09-23. Review status: criteria provided, single submitter. Criteria: Invitae Variant Classification Sherloc (09022015). Collection method: clinical testing. Allele origin: germline.
Comment: This sequence change replaces glutamic acid with lysine at codon 593 of the ADAMTS17 protein (p.Glu593Lys). The glutamic acid residue is highly conserved and there is a small physicochemical difference between glutamic acid and lysine. This variant is present in population databases (rs202233487, gnomAD 0.06%). This variant has not been reported in the literature in individuals affected with ADAMTS17-related conditions. ClinVar contains an entry for this variant (Variation ID: 1446117). An algorithm developed to predict the effect of missense changes on protein structure and function (PolyPhen-2) suggests that this variant is likely to be disruptive. In summary, the available evidence is currently insufficient to determine the role of this variant in disease. Therefore, it has been classified as a Variant of Uncertain Significance.

Blueprint Genetics
Classification: Uncertain significance. Last evaluated: 2024-05-03. Review status: criteria provided, single submitter. Criteria: ACMG Guidelines, 2015. Collection method: clinical testing. Allele origin: germline.

Ambry Genetics
Classification: Uncertain significance for Inborn genetic diseases. Last evaluated: 2022-12-06. Review status: criteria provided, single submitter. Criteria: Ambry Variant Classification Scheme 2023. Collection method: clinical testing. Allele origin: germline.

NM_139057.4(ADAMTS17):c.1777G>A (p.Glu593Lys)

Gene: ADAMTS17 (ADAM metallopeptidase with thrombospondin type 1 motif 17; minus strand). Cytogenetic location: 15q26.3.
Variant type: single nucleotide variant.
Coding change: c.1777G>A on transcript NM_139057.4 (MANE Select); coding-DNA position 1777, G replaced by A.
Protein change: p.Glu593Lys; replaces glutamic acid 593 with lysine.
Molecular consequence: missense variant.
Genome position (GRCh38, 1-based): chr15:100,116,958, C>T on the plus strand (G>A on the coding strand, the complement: ADAMTS17 is on the minus strand). VCF-style: chr15-100116958-C-T. GRCh37 (hg19) VCF-style: chr15-100657163-C-T.
Other names: c.1777G>A (NM_139057.2); short protein forms E593K.
Identifiers: ClinVar variation 1446117 (VCV001446117.6), dbSNP rs202233487, ClinGen allele CA7758059.
Genomic context (GRCh38, chr15:100,116,958, plus strand): 5'-CGTGTGCCTGGCACTGCTGGTCCCGGAAGCTGGGCAGACCCTTGGGGCAGGGCAGGTTCT[C>T]GCAGACCGCATGTTCTACACTGGCACCCGGGCAGTGTGTGCCTCCAGGCCCAGGGCTAGA-3'
Protein context (NP_620688.2, residues 583-603): PGASVEHAVC[Glu593Lys]NLPCPKGLPS